The following is an entry in ClinVar:

ClinVar aggregate classification (germline): Uncertain significance. Review status: criteria provided, multiple submitters, no conflicts (2 of 4 stars). 3 submissions from 3 submitters: Uncertain significance (3). Last evaluated 2022-10-06.

Conditions:
Fraser syndrome 3. Identifiers: MedGen C4540040, MONDO:0054739, OMIM 617667.

Allele frequency attached by ClinVar (database versions not stated): ExAC 0.00002; TOPMed 0.00002; gnomAD exomes 0.00005 and 0.00008; gnomAD 0.00006.
gnomAD v4.1: 134 of 1,614,036 alleles (0.0083%); highest among the groups gnomAD compares: Non-Finnish European, 0.011%; no homozygotes.

Submissions (3):

Labcorp Genetics (formerly Invitae), Labcorp
Classification: Uncertain significance. Last evaluated: 2022-10-06. Review status: criteria provided, single submitter. Criteria: Invitae Variant Classification Sherloc (09022015). Collection method: clinical testing. Allele origin: germline.
Comment: This sequence change replaces glutamine, which is neutral and polar, with arginine, which is basic and polar, at codon 1059 of the GRIP1 protein (p.Gln1059Arg). This variant is present in population databases (rs542462169, gnomAD 0.01%). This variant has not been reported in the literature in individuals affected with GRIP1-related conditions. ClinVar contains an entry for this variant (Variation ID: 881653). Algorithms developed to predict the effect of missense changes on protein structure and function are either unavailable or do not agree on the potential impact of this missense change (SIFT: "Deleterious"; PolyPhen-2: "Benign"; Align-GVGD: "Class C0"). In summary, the available evidence is currently insufficient to determine the role of this variant in disease. Therefore, it has been classified as a Variant of Uncertain Significance.

Fulgent Genetics
Classification: Uncertain significance for Fraser syndrome 3. Last evaluated: 2022-03-16. Review status: criteria provided, single submitter. Criteria: ACMG Guidelines, 2015. Collection method: clinical testing. Allele origin: unknown.

Illumina Laboratory Services, Illumina
Classification: Uncertain significance for Fraser syndrome 3. Last evaluated: 2018-01-13. Review status: criteria provided, single submitter. Criteria: ICSL Variant Classification Criteria 13 December 2019. Collection method: clinical testing. Allele origin: germline.

NM_001366722.1(GRIP1):c.3332A>G (p.Gln1111Arg)

Gene: GRIP1 (glutamate receptor interacting protein 1; minus strand). Cytogenetic location: 12q14.3.
Variant type: single nucleotide variant.
Coding change: c.3332A>G on transcript NM_001366722.1 (MANE Select); coding-DNA position 3332, A replaced by G.
Protein change: p.Gln1111Arg; replaces glutamine 1111 with arginine.
Molecular consequence: missense variant.
Genome position (GRCh38, 1-based): chr12:66,349,074, T>C on the plus strand (A>G on the coding strand, the complement: GRIP1 is on the minus strand). VCF-style: chr12-66349074-T-C. GRCh37 (hg19) VCF-style: chr12-66742854-T-C.
Other names: c.3131A>G, p.Gln1044Arg (NM_001178074.2); c.3251A>G, p.Gln1084Arg (NM_001366723.1); c.3254A>G, p.Gln1085Arg (NM_001366724.1); c.3176A>G, p.Gln1059Arg (NM_021150.4); short protein forms Q1044R, Q1111R, Q1084R, Q1059R, Q1085R.
Identifiers: ClinVar variation 881653 (VCV000881653.6), dbSNP rs542462169, ClinGen allele CA6673879.